The following is an entry in ClinVar:

ClinVar aggregate classification (germline): Uncertain significance (1 of 4 stars; one submission).

Submission:

Ambry Genetics
Classification: Uncertain significance. Last evaluated: 2022-10-11. Review status: criteria provided, single submitter. Criteria: Ambry Variant Classification Scheme 2023. Collection method: clinical testing. Allele origin: germline.
Comment: The p.V619L variant (also known as c.1855G>T), located in coding exon 16 of the BUB1 gene, results from a G to T substitution at nucleotide position 1855. The valine at codon 619 is replaced by leucine, an amino acid with highly similar properties. This amino acid position is conserved. In addition, this alteration is predicted to be tolerated by in silico analysis. Since supporting evidence is limited at this time, the clinical significance of this alteration remains unclear.

NM_004336.5(BUB1):c.1855G>T (p.Val619Leu)

Gene: BUB1 (BUB1 mitotic checkpoint serine/threonine kinase; minus strand). Cytogenetic location: 2q13.
Variant type: single nucleotide variant.
Coding change: c.1855G>T on transcript NM_004336.5 (MANE Select); coding-DNA position 1855, G replaced by T.
Protein change: p.Val619Leu; replaces valine 619 with leucine.
Molecular consequence: missense variant.
Genome position (GRCh38, 1-based): chr2:110,655,760, C>A on the plus strand (G>T on the coding strand, the complement: BUB1 is on the minus strand). VCF-style: chr2-110655760-C-A. GRCh37 (hg19) VCF-style: chr2-111413337-C-A.
Other names: c.1795G>T, p.Val599Leu (NM_001278616.2); c.1855G>T, p.Val619Leu (NM_001278617.2); short protein forms V619L, V599L.
Identifiers: ClinVar variation 1781396 (VCV001781396.2), dbSNP rs1689915378, ClinGen allele CA348210516.